The following is an entry in ClinVar:

ClinVar aggregate classification (germline): Likely benign. Review status: criteria provided, multiple submitters, no conflicts (2 of 4 stars). 2 submissions from 2 submitters: Likely benign (2). Last evaluated 2026-01-27.

Conditions:
Familial adenomatous polyposis 1 (FAP1). Also called: POLYPOSIS, ADENOMATOUS INTESTINAL; FAMILIAL ADENOMATOUS POLYPOSIS 1, ATTENUATED. Identifiers: MedGen C2713442, MONDO:0021056, OMIM 175100. Disease mechanism: loss of function.

Submissions (2):

Labcorp Genetics (formerly Invitae), Labcorp
Classification: Likely benign for Familial adenomatous polyposis 1. Last evaluated: 2026-01-27. Review status: criteria provided, single submitter. Criteria: Invitae Variant Classification Sherloc (09022015). Collection method: clinical testing. Allele origin: germline.

Myriad Genetics, Inc.
Classification: Likely benign for Familial adenomatous polyposis 1. Last evaluated: 2024-03-07. Review status: criteria provided, single submitter. Criteria: Myriad Autosomal Dominant, Autosomal Recessive and X-Linked Classification Criteria (2023). Collection method: clinical testing. Allele origin: unknown.
Comment: This variant is considered likely benign. This variant is intronic and is not expected to impact mRNA splicing.

NM_000038.6(APC):c.1958+2TA[5]

Gene: APC (APC regulator of Wnt signaling pathway; plus strand). Cytogenetic location: 5q22.2.
Variant type: Microsatellite.
Coding change: c.1958+2TA[5] on transcript NM_000038.6 (MANE Select); five copies in a row of the 2-base unit TA starting at c.1958+2; the reference has four copies in a row; one copy, 2 bases duplicated.
Molecular consequence: splice donor variant.
Genome position (GRCh38, 1-based): chr5:112,835,173-112,835,174, TA duplicated; duplicating any 2 consecutive bases within chr5:112,835,167-112,835,174 gives the same sequence; the position shown is the placement nearest the transcript's 3' end. VCF-style (leftmost placement, unchanged base first): chr5-112835166-G-GTA. GRCh37 (hg19) VCF-style: chr5-112170863-G-GTA.
Other names: c.1958+2TA[5] (NM_001354895.2, NM_001127510.3); c.1988+2TA[5] (NM_001354897.2); c.1685+2TA[5] (NM_001354902.2); c.1904+2TA[5] (NM_001127511.3); c.1883+2TA[5] (NM_001354898.2); c.1580+2TA[5] (NM_001354904.2); c.1109+2TA[5] (NM_001354906.2); c.2012+2TA[5] (NM_001354896.2); and 5 more.
Identifiers: ClinVar variation 1160057 (VCV001160057.11), dbSNP rs780148667, ClinGen allele CA029999.